The following is an entry in ClinVar:

ClinVar aggregate classification (germline): Pathogenic/Likely pathogenic. Review status: criteria provided, multiple submitters, no conflicts (2 of 4 stars). 3 submissions from 3 submitters: Pathogenic (1); Likely pathogenic (1). 1 of the submissions does not count toward it. Last evaluated 2025-02-18.

Conditions:
Autosomal recessive nonsyndromic hearing loss 2. Also called: DEAFNESS, AUTOSOMAL RECESSIVE 2; NEUROSENSORY NONSYNDROMIC RECESSIVE DEAFNESS 2. Identifiers: Orphanet 90636, MedGen C1838701, MONDO:0010807, OMIM 600060.
Usher syndrome type 1 (USH1). Also called: RETINITIS PIGMENTOSA AND CONGENITAL DEAFNESS. Identifiers: Orphanet 231169, Orphanet 886, MedGen C1568247, MONDO:0010168, OMIM 276900.
Usher syndrome type 1B (USH1B). Also called: Usher syndrome type IB. Identifiers: MedGen C1848638, MONDO:0700087.

Allele frequency attached by ClinVar (database versions not stated): TOPMed below 0.00001; gnomAD exomes 0.00001.
gnomAD v4.1: 4 of 1,555,580 alleles (0.00026%); highest among the groups gnomAD compares: Non-Finnish European, 0.00035%; no homozygotes.

Submissions (3):

Natera, Inc.
Classification: Likely pathogenic for Usher syndrome type 1B. Last evaluated: 2025-02-18. Review status: criteria provided, single submitter. Criteria: Natera Variant Classification Schema (03/2026). Collection method: clinical testing. Allele origin: germline.
Comment: The c.1798-1G>A variant in MYO7A is a canonical splice acceptor site variant predicted to affect pre-mRNA splicing, which may result in an abnormal transcript and altered protein product. This variant is expected to result in nonsense mediated decay, truncation, or a dysfunctional protein product. This variant is rare in the general population with a frequency below the threshold expected for the associated phenotype(s). This variant has been observed in one or more individuals affected with the associated recessive disease, as either homozygous or compound heterozygous with a second variant (PMID: 27460420). Given the available evidence, this variant is classified as Likely Pathogenic.

Labcorp Genetics (formerly Invitae), Labcorp
Classification: Pathogenic. Last evaluated: 2022-10-28. Review status: criteria provided, single submitter. Criteria: Invitae Variant Classification Sherloc (09022015). Collection method: clinical testing. Allele origin: germline.
Comment: Algorithms developed to predict the effect of sequence changes on RNA splicing suggest that this variant may disrupt the consensus splice site. ClinVar contains an entry for this variant (Variation ID: 557873). Disruption of this splice site has been observed in individuals with Usher syndrome (PMID: 27460420; Invitae). This variant is not present in population databases (gnomAD no frequency). This sequence change affects an acceptor splice site in intron 15 of the MYO7A gene. It is expected to disrupt RNA splicing. Variants that disrupt the donor or acceptor splice site typically lead to a loss of protein function (PMID: 16199547), and loss-of-function variants in MYO7A are known to be pathogenic (PMID: 8900236, 25404053). For these reasons, this variant has been classified as Pathogenic.

Counsyl
Classification: Likely pathogenic for Usher syndrome type 1; Autosomal recessive nonsyndromic hearing loss 2. Last evaluated: 2018-04-13. Review status: no assertion criteria provided. Collection method: clinical testing. Allele origin: unknown. Not counted in ClinVar's aggregate classification.

Literature cited by the submitters: PubMed 27460420 (cited by 3 submitters); PubMed 16199547 (cited by Labcorp Genetics (formerly Invitae), Labcorp); PubMed 8900236 (cited by Labcorp Genetics (formerly Invitae), Labcorp); PubMed 25404053 (cited by Labcorp Genetics (formerly Invitae), Labcorp).

NM_000260.4(MYO7A):c.1798-1G>A

Gene: MYO7A (myosin VIIA; plus strand). Cytogenetic location: 11q13.5.
Variant type: single nucleotide variant.
Coding change: c.1798-1G>A on transcript NM_000260.4 (MANE Select); the canonical splice acceptor site of the intron before coding-DNA position 1798, G replaced by A.
Molecular consequence: splice acceptor variant.
Genome position (GRCh38, 1-based): chr11:77,172,747, G>A. VCF-style: chr11-77172747-G-A. GRCh37 (hg19) VCF-style: chr11-76883793-G-A.
Other names: c.1765-1G>A (NM_001369365.1); c.1798-1G>A (NM_001127180.2).
Identifiers: ClinVar variation 557873 (VCV000557873.13), dbSNP rs1555076948, ClinGen allele CA381938131.
Genomic context (GRCh38, chr11:77,172,747, plus strand): 5'-CTCCTGGGACACTGGATGGGGCAGGCACAGCCCCTCCCATCGCTGCCGTCCGTCCCCCCA[G>A]GGCGCCGAGACCAGGAAGCGCTCGCCCACACTTAGCAGCCAGTTCAAGCGGTCACTGGAG-3'